The following is an entry in ClinVar:

NM_015103.3(PLXND1):c.527T>C (p.Phe176Ser)

Gene: PLXND1 (plexin D1; minus strand). Cytogenetic location: 3q22.1.
Variant type: single nucleotide variant.
Coding change: c.527T>C on transcript NM_015103.3 (MANE Select); coding-DNA position 527, T replaced by C.
Protein change: p.Phe176Ser; replaces phenylalanine 176 with serine.
Molecular consequence: missense variant.
Genome position (GRCh38, 1-based): chr3:129,606,113, A>G on the plus strand (T>C on the coding strand, the complement: PLXND1 is on the minus strand). VCF-style: chr3-129606113-A-G. GRCh37 (hg19) VCF-style: chr3-129324956-A-G.
Other names: short protein forms F176S.
Identifiers: ClinVar variation 5008910 (VCV005008910.1).

ClinVar aggregate classification (germline): Uncertain significance (1 of 4 stars; one submission).

Submission:

GeneDx
Classification: Uncertain significance. Last evaluated: 2026-03-10. Review status: criteria provided, single submitter. Criteria: GeneDx Variant Classification Process June 2021. Collection method: clinical testing. Allele origin: germline.
Comment: Not observed at significant frequency in large population cohorts (gnomAD); In silico analysis suggests that this missense variant does not alter protein structure/function; Has not been previously published as pathogenic or benign to our knowledge